The following is an entry in ClinVar:

NM_001999.4(FBN2):c.6628C>T (p.Arg2210Cys)

Gene: FBN2 (fibrillin 2; minus strand). Cytogenetic location: 5q23.3.
Variant type: single nucleotide variant.
Coding change: c.6628C>T on transcript NM_001999.4 (MANE Select); coding-DNA position 6628, C replaced by T.
Protein change: p.Arg2210Cys; replaces arginine 2210 with cysteine.
Molecular consequence: missense variant.
Genome position (GRCh38, 1-based): chr5:128,289,136, G>A on the plus strand (C>T on the coding strand, the complement: FBN2 is on the minus strand). VCF-style: chr5-128289136-G-A. GRCh37 (hg19) VCF-style: chr5-127624828-G-A.
Other names: short protein forms R2210C.
Identifiers: ClinVar variation 624062 (VCV000624062.60), dbSNP rs200158069, ClinGen allele CA3394360.

ClinVar aggregate classification (germline): Uncertain significance. Review status: criteria provided, multiple submitters, no conflicts (2 of 4 stars). 5 submissions from 5 submitters: Uncertain significance (5). Last evaluated 2025-11-27.

Conditions:
Familial thoracic aortic aneurysm and aortic dissection (TAAD). Also called: Thoracic aortic aneurysms and dissections. Identifiers: Orphanet 91387, MedGen C4707243, MONDO:0019625.
Congenital contractural arachnodactyly (CCA). Also called: Beals-Hecht syndrome; Arthrogryposis, distal, type 9; BEALS SYNDROME. Identifiers: Orphanet 115, MedGen C0220668, MONDO:0007363, OMIM 121050.

Allele frequency attached by ClinVar (database versions not stated): ExAC 0.00002; gnomAD 0.00003 and 0.00004; gnomAD exomes 0.00003 and 0.00006; TOPMed 0.00003; ESP Exome Variant Server 0.00008.
gnomAD v4.1: 92 of 1,613,706 alleles (0.0057%); highest among the groups gnomAD compares: Non-Finnish European, 0.0067%; no homozygotes.

Submissions (5):

Labcorp Genetics (formerly Invitae), Labcorp
Classification: Uncertain significance for Congenital contractural arachnodactyly. Last evaluated: 2025-11-27. Review status: criteria provided, single submitter. Criteria: Invitae Variant Classification Sherloc (09022015). Collection method: clinical testing. Allele origin: germline.
Comment: This sequence change replaces arginine, which is basic and polar, with cysteine, which is neutral and slightly polar, at codon 2210 of the FBN2 protein (p.Arg2210Cys). This variant is present in population databases (rs200158069, gnomAD 0.01%). This variant has not been reported in the literature in individuals affected with FBN2-related conditions. ClinVar contains an entry for this variant (Variation ID: 624062). Invitae Evidence Modeling of protein sequence and biophysical properties (such as structural, functional, and spatial information, amino acid conservation, physicochemical variation, residue mobility, and thermodynamic stability) indicates that this missense variant is not expected to disrupt FBN2 protein function with a negative predictive value of 80%. In summary, the available evidence is currently insufficient to determine the role of this variant in disease. Therefore, it has been classified as a Variant of Uncertain Significance.

Ambry Genetics
Classification: Uncertain significance for Familial thoracic aortic aneurysm and aortic dissection. Last evaluated: 2025-08-08. Review status: criteria provided, single submitter. Criteria: Ambry Variant Classification Scheme 2023. Collection method: clinical testing. Allele origin: germline.
Comment: The p.R2210C variant (also known as c.6628C>T), located in coding exon 52 of the FBN2 gene, results from a C to T substitution at nucleotide position 6628. The arginine at codon 2210 is replaced by cysteine, an amino acid with highly dissimilar properties. This amino acid position is not well conserved in available vertebrate species. In addition, the in silico prediction for this alteration is inconclusive. Since supporting evidence is limited at this time, the clinical significance of this alteration remains unclear.

GeneDx
Classification: Uncertain significance. Last evaluated: 2021-09-29. Review status: criteria provided, single submitter. Criteria: GeneDx Variant Classification Process June 2021. Collection method: clinical testing. Allele origin: germline. Affected: yes.
Comment: Has not been previously published as pathogenic or benign to our knowledge; In silico analysis supports that this missense variant has a deleterious effect on protein structure/function; Reported in ClinVar but additional evidence is not available (ClinVar Variant ID#624062; Landrum et al., 2016); This variant is associated with the following publications: (PMID: 18767143)

CeGaT Center for Human Genetics Tuebingen
Classification: Uncertain significance. Last evaluated: 2018-08-01. Review status: criteria provided, single submitter. Criteria: CeGaT Center For Human Genetics Tuebingen Variant Classification Criteria Version 2. Collection method: clinical testing. Allele origin: germline. Affected: yes. Observed: 1 variant allele.

Illumina Laboratory Services, Illumina
Classification: Uncertain significance for Congenital contractural arachnodactyly. Last evaluated: 2018-01-12. Review status: criteria provided, single submitter. Criteria: ICSL Variant Classification Criteria 13 December 2019. Collection method: clinical testing. Allele origin: germline.